The following is an entry in ClinVar:

ClinVar aggregate classification (germline): Benign. Review status: reviewed by expert panel (3 of 4 stars). 2 submissions from 2 submitters: Benign (1). 1 of the submissions does not count toward it. Last evaluated 2016-09-28.

Conditions:
Breast-ovarian cancer, familial, susceptibility to, 2 (BROVCA2). Also called: BRCA2 Hereditary Breast and Ovarian Cancer. Identifiers: Orphanet 145, MedGen C2675520, MONDO:0012933, OMIM 612555. Disease mechanism: loss of function.

Allele frequency attached by ClinVar (database versions not stated): gnomAD 0.00783; TOPMed 0.00800; 1000 Genomes Project 30x 0.00828; 1000 Genomes Project 0.00839.
gnomAD v4.1: 1,068 of 152,346 alleles (0.7%); highest among the groups gnomAD compares: African/African-American, 1.9%; 6 homozygotes.

Submissions (2):

Evidence-based Network for the Interpretation of Germline Mutant Alleles (ENIGMA)
Classification: Benign for Breast-ovarian cancer, familial, susceptibility to, 2. Last evaluated: 2016-09-28. Review status: reviewed by expert panel. Criteria: ENIGMA BRCA1/2 Classification Criteria (2015). Collection method: curation. Allele origin: germline.
Comment: Class 1 not pathogenic based on frequency >1% in an outbred sampleset. Frequency 0.0272 (African), derived from 1000 genomes (2013-05-02).

GeneDx
Classification: Likely benign. Last evaluated: 2018-06-21. Review status: criteria provided, single submitter. Criteria: GeneDx Variant Classification Process June 2021. Collection method: clinical testing. Allele origin: germline. Affected: yes. Not counted in ClinVar's aggregate classification.

NM_000059.4(BRCA2):c.9257-241A>T

Gene: BRCA2 (BRCA2 DNA repair associated; plus strand). Cytogenetic location: 13q13.1.
Variant type: single nucleotide variant.
Coding change: c.9257-241A>T on transcript NM_000059.4 (MANE Select); 241 bases into the intron before coding-DNA position 9257, A replaced by T.
Molecular consequence: intron variant.
Genome position (GRCh38, 1-based): chr13:32,394,448, A>T. VCF-style: chr13-32394448-A-T. GRCh37 (hg19) VCF-style: chr13-32968585-A-T.
Identifiers: ClinVar variation 264925 (VCV000264925.4), dbSNP rs11571816, ClinGen allele CA10588174.